The following is an entry in ClinVar:

NM_144997.7(FLCN):c.27C>A (p.His9Gln)

Gene: FLCN (folliculin; minus strand). Cytogenetic location: 17p11.2.
Variant type: single nucleotide variant.
Coding change: c.27C>A on transcript NM_144997.7 (MANE Select); coding-DNA position 27, C replaced by A.
Protein change: p.His9Gln; replaces histidine 9 with glutamine.
Molecular consequence: missense variant.
Genome position (GRCh38, 1-based): chr17:17,228,111, G>T on the plus strand (C>A on the coding strand, the complement: FLCN is on the minus strand). VCF-style: chr17-17228111-G-T. GRCh37 (hg19) VCF-style: chr17-17131425-G-T.
Other names: c.27C>A, p.His9Gln (NM_001353229.2, NM_001353230.2, NM_001353231.2 and 1 more transcripts); short protein forms H9Q.
Identifiers: ClinVar variation 3641638 (VCV003641638.2).
Genomic context (GRCh38, chr17:17,228,111, plus strand): 5'-AAGTGGGGCGTGCAGCACCTCCGTGCAGAAGAGAGTGCGGGGGCCGTGGAGCTCGCAGAA[G>T]TGGCAGAGAGCCACGATGGCATTCATGGTGCCTTGGAGACTGCAACAGGCCTGCGTGGGA-3'
Protein context (NP_659434.2, residues 1-19): MNAIVALC[His9Gln]FCELHGPRTL

ClinVar aggregate classification (germline): Uncertain significance (1 of 4 stars; one submission).

Conditions:
Birt-Hogg-Dube syndrome. Also called: Birt Hogg Dubé syndrome. Identifiers: Orphanet 122, MedGen C0346010, MONDO:0800444.

Submission:

Labcorp Genetics (formerly Invitae), Labcorp
Classification: Uncertain significance for Birt-Hogg-Dube syndrome. Last evaluated: 2024-02-17. Review status: criteria provided, single submitter. Criteria: Invitae Variant Classification Sherloc (09022015). Collection method: clinical testing. Allele origin: germline.
Comment: This sequence change replaces histidine, which is basic and polar, with glutamine, which is neutral and polar, at codon 9 of the FLCN protein (p.His9Gln). This variant is not present in population databases (gnomAD no frequency). This variant has not been reported in the literature in individuals affected with FLCN-related conditions. Advanced modeling of protein sequence and biophysical properties (such as structural, functional, and spatial information, amino acid conservation, physicochemical variation, residue mobility, and thermodynamic stability) performed at Invitae indicates that this missense variant is expected to disrupt FLCN protein function with a positive predictive value of 80%. In summary, the available evidence is currently insufficient to determine the role of this variant in disease. Therefore, it has been classified as a Variant of Uncertain Significance.